The following is an entry in ClinVar:

ClinVar aggregate classification (germline): Uncertain significance (1 of 4 stars; one submission).

Conditions:
Congenital generalized lipodystrophy type 1 (CGL1). Also called: Berardinelli-Seip Congenital Lipodystrophy Type 1; BRUNZELL SYNDROME, AGPAT2-RELATED. Identifiers: Orphanet 528, Orphanet 696189, MedGen C1720862, MONDO:0012071, OMIM 608594.

Submission:

Juno Genomics, Hangzhou Juno Genomics, Inc
Classification: Uncertain significance for Congenital generalized lipodystrophy type 1. Review status: criteria provided, single submitter. Criteria: ACMG Guidelines, 2015. Collection method: clinical testing. Allele origin: germline.
Comment: Absent from controls (or at extremely low frequency if recessive) in Genome Aggregation Database.;Null variant in a gene where loss of function (LOF) is a known mechanism of disease.

NM_006412.4(AGPAT2):c.792_805del (p.Gln264fs)

Gene: AGPAT2 (1-acylglycerol-3-phosphate O-acyltransferase 2; minus strand). Cytogenetic location: 9q34.3.
Variant type: Deletion.
Coding change: c.792_805del on transcript NM_006412.4 (MANE Select); coding-DNA positions 792 to 805, 14 bases deleted (GGAGAACGGGGCCA).
Protein change: p.Gln264fs; shifts the reading frame from glutamine 264.
Molecular consequence: frameshift variant.
Genome position (GRCh38, 1-based): chr9:136,673,784-136,673,797, TGGCCCCGTTCTCC deleted on the plus strand (GGAGAACGGGGCCA on the coding strand, the reverse complement: AGPAT2 is on the minus strand); deleting any 14 consecutive bases within chr9:136,673,784-136,673,800 gives the same sequence; the c. name uses the placement nearest the transcript's 3' end. VCF-style (leftmost placement, unchanged base first): chr9-136673783-GTGGCCCCGTTCTCC-G. GRCh37 (hg19) VCF-style: chr9-139568235-GTGGCCCCGTTCTCC-G.
Other names: c.696_709del, p.Gln232fs (NM_001012727.2); short protein forms Q232fs, Q264fs.
Identifiers: ClinVar variation 5007423 (VCV005007423.2).